The following is an entry in ClinVar:

ClinVar aggregate classification (germline): Conflicting classifications of pathogenicity. Review status: criteria provided, conflicting classifications (1 of 4 stars). 3 submissions from 3 submitters: Likely pathogenic (1); Uncertain significance (1); Likely benign (1). Last evaluated 2021-12-28.

Conditions:
RASopathy. Also called: Noonan spectrum disorder; rasopathies. Identifiers: Orphanet 536391, MedGen C5555857, MONDO:0021060.
RAF1-related disorder. Also called: RAF1-related disorders; RAF1-related condition.
Cardiovascular phenotype. Identifiers: MedGen CN230736.

Submissions (3):

Blueprint Genetics
Classification: Likely pathogenic for RAF1-related disorders. Last evaluated: 2021-12-28. Review status: criteria provided, single submitter. Criteria: ACMG Guidelines, 2015. Collection method: clinical testing. Allele origin: germline. Affected: yes. Observed: 1 variant allele.

Ambry Genetics
Classification: Likely benign for Cardiovascular phenotype. Last evaluated: 2021-06-24. Review status: criteria provided, single submitter. Criteria: Ambry Variant Classification Scheme 2023. Collection method: clinical testing. Allele origin: germline.

Labcorp Genetics (formerly Invitae), Labcorp
Classification: Uncertain significance for RASopathy. Last evaluated: 2021-05-30. Review status: criteria provided, single submitter. Criteria: Invitae Variant Classification Sherloc (09022015). Collection method: clinical testing. Allele origin: germline.
Comment: This variant is not present in population databases (ExAC no frequency). This sequence change creates a premature translational stop signal (p.Arg518*) in the RAF1 gene. It is expected to result in an absent or disrupted protein product. However, the current clinical and genetic evidence is not sufficient to establish whether loss-of-function variants in RAF1 cause disease. This variant has not been reported in the literature in individuals with RAF1-related conditions. In summary, the available evidence is currently insufficient to determine the role of this variant in disease. Therefore, it has been classified as a Variant of Uncertain Significance.

NM_002880.4(RAF1):c.1552C>T (p.Arg518Ter)

Gene: RAF1 (Raf-1 proto-oncogene, serine/threonine kinase; minus strand). Cytogenetic location: 3p25.2.
Variant type: single nucleotide variant.
Coding change: c.1552C>T on transcript NM_002880.4 (MANE Select); coding-DNA position 1552, C replaced by T.
Protein change: p.Arg518Ter; replaces arginine 518 with a stop codon.
Molecular consequence: nonsense. On other transcripts: non-coding transcript variant (3).
Genome position (GRCh38, 1-based): chr3:12,585,238, G>A on the plus strand (C>T on the coding strand, the complement: RAF1 is on the minus strand). VCF-style: chr3-12585238-G-A. GRCh37 (hg19) VCF-style: chr3-12626737-G-A.
Other names: c.1612C>T, p.Arg538Ter (NM_001354689.3); c.1552C>T, p.Arg518Ter (NM_001354690.3); c.1309C>T, p.Arg437Ter (NM_001354691.3, NM_001354692.3); c.1453C>T, p.Arg485Ter (NM_001354693.3); c.1369C>T, p.Arg457Ter (NM_001354694.3); c.1210C>T, p.Arg404Ter (NM_001354695.3); short protein forms R485*, R518*, R437*, R457*, R404*, R538*.
Identifiers: ClinVar variation 1419482 (VCV001419482.9), dbSNP rs2125322976, ClinGen allele CA351497944.
Genomic context (GRCh38, chr3:12,585,238, plus strand): 5'-ATACGATGCCATAGGAGTAGACATCCGACTGGAAACTGAATGGGTTGTTATCCTGCATTC[G>A]GATCACCTCTGGGGCCTACATGTATCACCATATGACAAAAGTGCATTTATCACCATATGA-3'